The following is an entry in ClinVar:

ClinVar aggregate classification (germline): Uncertain significance. Review status: criteria provided, multiple submitters, no conflicts (2 of 4 stars). 3 submissions from 3 submitters: Uncertain significance (3). Last evaluated 2025-03-05.

Conditions:
Epidermolysis bullosa simplex 5B, with muscular dystrophy (EBS5B). Also called: EPIDERMOLYSIS BULLOSA SIMPLEX AND LIMB-GIRDLE MUSCULAR DYSTROPHY; Epidermolysis bullosa simplex with muscular dystrophy. Identifiers: Orphanet 257, MedGen C2931072, MONDO:0009181, OMIM 226670.
Epidermolysis bullosa simplex, Ogna type (EBS5A). Also called: Pidermolysis bullosa simplex 5A, Ogna type; EPIDERMOLYSIS BULLOSA SIMPLEX 5A, OGNA TYPE. Identifiers: Orphanet 79401, MedGen C0432317, MONDO:0007555, OMIM 131950.
Epidermolysis bullosa simplex 5C, with pyloric atresia (EBS5C). Also called: Epidermolysis bullosa simplex with pyloric atresia; PLEC-Related Epidermolysis Bullosa with Pyloric Atresia; PLEC1-Related Epidermolysis Bullosa with Pyloric Atresia. Identifiers: Orphanet 158684, MedGen C2677349, MONDO:0012807, OMIM 612138.
Epidermolysis bullosa simplex with nail dystrophy (EBS5D). Identifiers: MedGen C4225309, MONDO:0014661, OMIM 616487.
Autosomal recessive limb-girdle muscular dystrophy type 2Q (LGMDR17). Also called: MUSCULAR DYSTROPHY, LIMB-GIRDLE, AUTOSOMAL RECESSIVE 17. Identifiers: Orphanet 254361, MedGen C3150989, MONDO:0013390, OMIM 613723.

Allele frequency attached by ClinVar (database versions not stated): gnomAD exomes 0.00004; ESP Exome Variant Server 0.00008; TOPMed 0.00009.
gnomAD v4.1: 48 of 1,595,802 alleles (0.003%); highest among the groups gnomAD compares: African/African-American, 0.0067%; no homozygotes.

Submissions (3):

Labcorp Genetics (formerly Invitae), Labcorp
Classification: Uncertain significance for Autosomal recessive limb-girdle muscular dystrophy type 2Q; Epidermolysis bullosa simplex, Ogna type; Epidermolysis bullosa simplex with nail dystrophy; Epidermolysis bullosa simplex 5C, with pyloric atresia; Epidermolysis bullosa simplex 5B, with muscular dystrophy. Last evaluated: 2025-03-05. Review status: criteria provided, single submitter. Criteria: Invitae Variant Classification Sherloc (09022015). Collection method: clinical testing. Allele origin: germline.
Comment: This sequence change replaces arginine, which is basic and polar, with cysteine, which is neutral and slightly polar, at codon 1091 of the PLEC protein (p.Arg1091Cys). This variant is present in population databases (rs371358671, gnomAD 0.01%). This variant has not been reported in the literature in individuals affected with PLEC-related conditions. ClinVar contains an entry for this variant (Variation ID: 940320). Invitae Evidence Modeling of protein sequence and biophysical properties (such as structural, functional, and spatial information, amino acid conservation, physicochemical variation, residue mobility, and thermodynamic stability) indicates that this missense variant is not expected to disrupt PLEC protein function with a negative predictive value of 80%. In summary, the available evidence is currently insufficient to determine the role of this variant in disease. Therefore, it has been classified as a Variant of Uncertain Significance.

Revvity Omics, Revvity
Classification: Uncertain significance. Last evaluated: 2022-11-15. Review status: criteria provided, single submitter. Criteria: ACMG Guidelines, 2015. Collection method: clinical testing. Allele origin: germline.

GeneDx
Classification: Uncertain significance. Last evaluated: 2021-07-20. Review status: criteria provided, single submitter. Criteria: GeneDx Variant Classification Process June 2021. Collection method: clinical testing. Allele origin: germline. Affected: yes.
Comment: Not observed at significant frequency in large population cohorts (Lek et al., 2016); In silico analysis supports that this missense variant has a deleterious effect on protein structure/function; Missense variant in a gene in which most reported pathogenic variants are truncating/loss-of-function; Has not been previously published as pathogenic or benign to our knowledge; This variant is associated with the following publications: (PMID: 22864774, 27535533)

NM_201384.3(PLEC):c.3190C>T (p.Arg1064Cys)

Gene: PLEC (plectin; minus strand). Cytogenetic location: 8q24.3.
Variant type: single nucleotide variant.
Coding change: c.3190C>T on transcript NM_201384.3 (MANE Select); coding-DNA position 3190, C replaced by T.
Protein change: p.Arg1064Cys; replaces arginine 1064 with cysteine.
Molecular consequence: missense variant.
Genome position (GRCh38, 1-based): chr8:143,929,173, G>A on the plus strand (C>T on the coding strand, the complement: PLEC is on the minus strand). VCF-style: chr8-143929173-G-A. GRCh37 (hg19) VCF-style: chr8-145003341-G-A.
Other names: c.3271C>T, p.Arg1091Cys (NM_000445.5); c.3148C>T, p.Arg1050Cys (NM_201378.4); c.3124C>T, p.Arg1042Cys (NM_201379.3); c.3601C>T, p.Arg1201Cys (NM_201380.4); c.3094C>T, p.Arg1032Cys (NM_201381.3); c.3190C>T, p.Arg1064Cys (NM_201382.4); c.3202C>T, p.Arg1068Cys (NM_201383.3); short protein forms R1042C, R1064C, R1050C, R1032C, R1068C, R1091C, R1201C.
Identifiers: ClinVar variation 940320 (VCV000940320.11), dbSNP rs371358671, ClinGen allele CA4927176.
Genomic context (GRCh38, chr8:143,929,173, plus strand): 5'-AGATGGCAGACAGGCTGCGGACCTGCTCCAGCTTGCCCAGCGTCAGCTCCAGCTCCGAGC[G>A]CAGCGTGGGGGCCGCAGGCGATGGCTCTGGTAGGGCCAAGACCTTCTCGGCCTCGGCAGA-3'
Protein context (NP_958786.1, residues 1054-1074): PEPSPAAPTL[Arg1064Cys]SELELTLGKL